The following is an entry in ClinVar:

NM_138295.5(PKD1L1):c.7540C>T (p.Arg2514Cys)

Genes: PKD1L1 (polycystin 1 like 1, transient receptor potential channel interacting; minus strand), PKD1L1-AS1 (PKD1L1 antisense RNA 1; plus strand). Cytogenetic location: 7p12.3.
Variant type: single nucleotide variant.
Coding change: c.7540C>T on transcript NM_138295.5 (MANE Select); coding-DNA position 7540, C replaced by T.
Protein change: p.Arg2514Cys; replaces arginine 2514 with cysteine.
Molecular consequence: missense variant.
Genome position (GRCh38, 1-based): chr7:47,811,858, G>A on the plus strand (C>T on the coding strand, the complement: PKD1L1 is on the minus strand). VCF-style: chr7-47811858-G-A. GRCh37 (hg19) VCF-style: chr7-47851456-G-A.
Other names: short protein forms R2514C.
Identifiers: ClinVar variation 3932895 (VCV003932895.2).

ClinVar aggregate classification (germline): Uncertain significance. Review status: criteria provided, multiple submitters, no conflicts (2 of 4 stars). 2 submissions from 2 submitters: Uncertain significance (2). Last evaluated 2025-08-05.

Conditions:
PKD1L1-related disorder. Also called: PKD1L1-related condition.
Inborn genetic diseases. Identifiers: MedGen C0950123, MeSH D030342.

gnomAD v4.1: 31 of 1,610,172 alleles (0.0019%); highest among the groups gnomAD compares: South Asian, 0.016%; no homozygotes.

Submissions (2):

PreventionGenetics, part of Exact Sciences
Classification: Uncertain significance for PKD1L1-related condition. Last evaluated: 2025-08-05. Review status: criteria provided, single submitter. Criteria: ACMG Guidelines, 2015. Collection method: clinical testing. Allele origin: germline.
Comment: The PKD1L1 c.7540C>T variant is predicted to result in the amino acid substitution p.Arg2514Cys. To our knowledge, this variant has not been reported in the literature. This variant is reported in 0.024% of alleles in individuals of South Asian descent in gnomAD. At this time, the clinical significance of this variant is uncertain due to the absence of conclusive functional and genetic evidence.

Ambry Genetics
Classification: Uncertain significance for Inborn genetic diseases. Last evaluated: 2025-06-10. Review status: criteria provided, single submitter. Criteria: Ambry Variant Classification Scheme 2023. Collection method: clinical testing. Allele origin: germline.